The following is an entry in ClinVar:

ClinVar aggregate classification (germline): Uncertain significance (1 of 4 stars; one submission).

Submission:

Labcorp Genetics (formerly Invitae), Labcorp
Classification: Uncertain significance. Last evaluated: 2023-12-22. Review status: criteria provided, single submitter. Criteria: Invitae Variant Classification Sherloc (09022015). Collection method: clinical testing. Allele origin: germline.
Comment: This sequence change falls in intron 12 of the IARS2 gene. It does not directly change the encoded amino acid sequence of the IARS2 protein. This variant is not present in population databases (gnomAD no frequency). This variant has not been reported in the literature in individuals affected with IARS2-related conditions. ClinVar contains an entry for this variant (Variation ID: 2095502). Algorithms developed to predict the effect of sequence changes on RNA splicing suggest that this variant may disrupt the consensus splice site. In summary, the available evidence is currently insufficient to determine the role of this variant in disease. Therefore, it has been classified as a Variant of Uncertain Significance.

NM_018060.4(IARS2):c.1641-9C>G

Gene: IARS2 (isoleucyl-tRNA synthetase 2, mitochondrial; plus strand). Cytogenetic location: 1q41.
Variant type: single nucleotide variant.
Coding change: c.1641-9C>G on transcript NM_018060.4 (MANE Select); 9 bases into the intron before coding-DNA position 1641, C replaced by G.
Molecular consequence: intron variant.
Genome position (GRCh38, 1-based): chr1:220,125,228, C>G. VCF-style: chr1-220125228-C-G. GRCh37 (hg19) VCF-style: chr1-220298570-C-G.
Identifiers: ClinVar variation 2095502 (VCV002095502.4), dbSNP rs200410224, ClinGen allele CA2580062194.